The following is an entry in ClinVar:

ClinVar aggregate classification (germline): Uncertain significance (1 of 4 stars; one submission).

Allele frequency attached by ClinVar (database versions not stated): TOPMed 0.00002; gnomAD exomes 0.00006.
gnomAD v4.1: 121 of 1,613,938 alleles (0.0075%); highest among the groups gnomAD compares: Middle Eastern, 0.033%; no homozygotes.

Submission:

Labcorp Genetics (formerly Invitae), Labcorp
Classification: Uncertain significance. Last evaluated: 2023-12-31. Review status: criteria provided, single submitter. Criteria: Invitae Variant Classification Sherloc (09022015). Collection method: clinical testing. Allele origin: germline.
Comment: This sequence change replaces arginine, which is basic and polar, with tryptophan, which is neutral and slightly polar, at codon 617 of the MAP3K20 protein (p.Arg617Trp). This variant is present in population databases (rs750517616, gnomAD 0.01%). This variant has not been reported in the literature in individuals affected with MAP3K20-related conditions. ClinVar contains an entry for this variant (Variation ID: 1502504). Advanced modeling of protein sequence and biophysical properties (such as structural, functional, and spatial information, amino acid conservation, physicochemical variation, residue mobility, and thermodynamic stability) performed at Invitae indicates that this missense variant is not expected to disrupt MAP3K20 protein function with a negative predictive value of 95%. In summary, the available evidence is currently insufficient to determine the role of this variant in disease. Therefore, it has been classified as a Variant of Uncertain Significance.

NM_016653.3(MAP3K20):c.1849C>T (p.Arg617Trp)

Genes: MAP3K20 (mitogen-activated protein kinase kinase kinase 20; plus strand), MAP3K20-AS1 (MAP3K20 antisense RNA 1; minus strand). Cytogenetic location: 2q31.1.
Variant type: single nucleotide variant.
Coding change: c.1849C>T on transcript NM_016653.3 (MANE Select); coding-DNA position 1849, C replaced by T.
Protein change: p.Arg617Trp; replaces arginine 617 with tryptophan.
Molecular consequence: missense variant.
Genome position (GRCh38, 1-based): chr2:173,266,196, C>T. VCF-style: chr2-173266196-C-T. GRCh37 (hg19) VCF-style: chr2-174130924-C-T.
Other names: short protein forms R617W.
Identifiers: ClinVar variation 1502504 (VCV001502504.4), dbSNP rs750517616, ClinGen allele CA1970978.